The following is an entry in ClinVar:

ClinVar aggregate classification (germline): Uncertain significance. Review status: criteria provided, multiple submitters, no conflicts (2 of 4 stars). 2 submissions from 2 submitters: Uncertain significance (2). Last evaluated 2026-01-02.

Conditions:
Inborn genetic diseases. Identifiers: MedGen C0950123, MeSH D030342.
THOC2-related disorder. Also called: THOC2-related condition.

gnomAD v4.1: 21 of 1,201,802 alleles (0.0017%); highest among the groups gnomAD compares: African/African-American, 0.0053%; no homozygotes.

Submissions (2):

PreventionGenetics, part of Exact Sciences
Classification: Uncertain significance for THOC2-related condition. Last evaluated: 2026-01-02. Review status: criteria provided, single submitter. Criteria: ACMG Guidelines, 2015. Collection method: clinical testing. Allele origin: germline.
Comment: The THOC2 c.1291G>A variant is predicted to result in the amino acid substitution p.Val431Met. To our knowledge, this variant has not been reported in the literature. This variant is reported in 0.011% of alleles in individuals of South Asian descent in gnomAD. Although we suspect that this variant may be benign, at this time, the clinical significance of this variant is uncertain due to the absence of conclusive functional and genetic evidence.

Ambry Genetics
Classification: Uncertain significance for Inborn genetic diseases. Last evaluated: 2025-10-18. Review status: criteria provided, single submitter. Criteria: Ambry Variant Classification Scheme 2023. Collection method: clinical testing. Allele origin: germline.

NM_001081550.2(THOC2):c.1291G>A (p.Val431Met)

Gene: THOC2 (THO complex subunit 2; minus strand). Cytogenetic location: Xq25.
Variant type: single nucleotide variant.
Coding change: c.1291G>A on transcript NM_001081550.2 (MANE Select); coding-DNA position 1291, G replaced by A.
Protein change: p.Val431Met; replaces valine 431 with methionine.
Molecular consequence: missense variant.
Genome position (GRCh38, 1-based): chrX:123,665,737, C>T on the plus strand (G>A on the coding strand, the complement: THOC2 is on the minus strand). VCF-style: chrX-123665737-C-T. GRCh37 (hg19) VCF-style: chrX-122799588-C-T.
Other names: c.1291G>A, p.Val431Met (NM_001441235.1, NM_001441236.1); short protein forms V431M.
Identifiers: ClinVar variation 4633118 (VCV004633118.2).
Genomic context (GRCh38, chrX:123,665,737, plus strand): 5'-TTGCAAATAAAATGGGATCGTGAGAAAGGTGAGGACCAAGGTAACAGAACATATTGAACA[C>T]GTCTCTCCTCAAATCTTCAAAGCTCTCAGCTTGTTTTGGTGCTCTCTTGTTTTGCAAAGC-3'
Protein context (NP_001075019.1, residues 421-441): AESFEDLRRD[Val431Met]FNMFCYLGPH